The following is an entry in ClinVar:

NM_016169.4(SUFU):c.598-3C>T

Gene: SUFU (SUFU negative regulator of hedgehog signaling; plus strand). Cytogenetic location: 10q24.32.
Variant type: single nucleotide variant.
Coding change: c.598-3C>T on transcript NM_016169.4 (MANE Select); 3 bases into the intron before coding-DNA position 598, C replaced by T.
Molecular consequence: intron variant.
Genome position (GRCh38, 1-based): chr10:102,593,633, C>T. VCF-style: chr10-102593633-C-T. GRCh37 (hg19) VCF-style: chr10-104353390-C-T.
Other names: c.598-3C>T (NM_001178133.2, NM_016169.3).
Identifiers: ClinVar variation 4791135 (VCV004791135.2).
Genomic context (GRCh38, chr10:102,593,633, plus strand): 5'-CTGACCTTCTTGGGGTGGGGGGTGGCCATTAACACACAATGGGCTTTCTATCCTGGGCCT[C>T]AGATCGTTGGTGTCTGCACTGAAGAGCTACACTCAGCCCAGCAGTGGAACGGGCAGGGCA-3'

ClinVar aggregate classification (germline): Uncertain significance. Review status: criteria provided, multiple submitters, no conflicts (2 of 4 stars). 2 submissions from 2 submitters: Uncertain significance (2). Last evaluated 2026-06-08.

Conditions:
Hereditary cancer-predisposing syndrome. Also called: Hereditary neoplastic syndrome; Neoplastic Syndromes, Hereditary; Tumor predisposition; Hereditary Cancer Syndrome. Identifiers: Orphanet 140162, MedGen C0027672, MeSH D009386, MONDO:0015356.
Gorlin syndrome. Also called: Nevoid Basal Cell Carcinoma Syndrome; Basal cell nevus syndrome. Identifiers: Orphanet 377, MedGen C0004779, MONDO:0007187.
Medulloblastoma (MDB). Also called: Medulloblastoma, somatic; MEDULLOBLASTOMA PREDISPOSITION SYNDROME. Identifiers: Orphanet 616, MedGen C0025149, MeSH D008527, MONDO:0007959, OMIM 155255, HP:0002885.

gnomAD v4.1: 1 of 1,614,154 alleles (0.000062%); highest among the groups gnomAD compares: African/African-American, 0.0013%; no homozygotes.

Submissions (2):

Ambry Genetics
Classification: Uncertain significance for Hereditary cancer-predisposing syndrome. Last evaluated: 2026-06-08. Review status: criteria provided, single submitter. Criteria: Ambry Variant Classification Scheme 2023. Collection method: clinical testing. Allele origin: germline.
Comment: The c.598-3C>T intronic variant results from a C to T substitution 3 nucleotides upstream from coding exon 5 in the SUFU gene. This nucleotide position is not well conserved in available vertebrate species. In silico splice site analysis predicts that this alteration will not have any significant effect on splicing. Based on the available evidence, the clinical significance of this variant remains unclear.

Labcorp Genetics (formerly Invitae), Labcorp
Classification: Uncertain significance for Gorlin syndrome; Medulloblastoma. Last evaluated: 2025-10-19. Review status: criteria provided, single submitter. Criteria: Invitae Variant Classification Sherloc (09022015). Collection method: clinical testing. Allele origin: germline.
Comment: This sequence change falls in intron 4 of the SUFU gene. It does not directly change the encoded amino acid sequence of the SUFU protein. It affects a nucleotide within the consensus splice site. This variant is not present in population databases (gnomAD no frequency). This variant has not been reported in the literature in individuals affected with SUFU-related conditions. Variants that disrupt the consensus splice site are a relatively common cause of aberrant splicing (PMID: 17576681, 9536098). Algorithms developed to predict the effect of sequence changes on RNA splicing suggest that this variant is not likely to affect RNA splicing. In summary, the available evidence is currently insufficient to determine the role of this variant in disease. Therefore, it has been classified as a Variant of Uncertain Significance.

Literature cited by the submitters: PubMed 17576681 (cited by Labcorp Genetics (formerly Invitae), Labcorp); PubMed 9536098 (cited by Labcorp Genetics (formerly Invitae), Labcorp).